The following is an entry in ClinVar:

NM_005085.4(NUP214):c.286C>T (p.His96Tyr)

Gene: NUP214 (nucleoporin 214; plus strand). Cytogenetic location: 9q34.13.
Variant type: single nucleotide variant.
Coding change: c.286C>T on transcript NM_005085.4 (MANE Select); coding-DNA position 286, C replaced by T.
Protein change: p.His96Tyr; replaces histidine 96 with tyrosine.
Molecular consequence: missense variant.
Genome position (GRCh38, 1-based): chr9:131,128,376, C>T. VCF-style: chr9-131128376-C-T. GRCh37 (hg19) VCF-style: chr9-134003763-C-T.
Other names: c.286C>T, p.His96Tyr (NM_001318324.2); c.397C>T, p.His133Tyr (NM_153642.1); short protein forms H133Y, H96Y.
Identifiers: ClinVar variation 1704815 (VCV001704815.2), dbSNP rs1190684735, ClinGen allele CA375274636.

ClinVar aggregate classification (germline): Uncertain significance (1 of 4 stars; one submission).

Allele frequency attached by ClinVar (database versions not stated): TOPMed below 0.00001; gnomAD exomes 0.00001.

Submission:

GeneDx
Classification: Uncertain significance. Last evaluated: 2022-03-07. Review status: criteria provided, single submitter. Criteria: GeneDx Variant Classification Process June 2021. Collection method: clinical testing. Allele origin: germline. Affected: yes.
Comment: Not observed at significant frequency in large population cohorts (gnomAD); In silico analysis supports that this missense variant has a deleterious effect on protein structure/function; Has not been previously published as pathogenic or benign to our knowledge